The following is an entry in ClinVar:

NM_025137.4(SPG11):c.3321_3324del (p.Asn1106_Cys1107insTer)

Gene: SPG11 (SPG11 vesicle trafficking associated, spatacsin; minus strand). Cytogenetic location: 15q21.1.
Variant type: Deletion.
Coding change: c.3321_3324del on transcript NM_025137.4 (MANE Select); coding-DNA positions 3321 to 3324, 4 bases deleted (TTTG; older notation c.3321_3324delTTTG).
Protein change: p.Asn1106_Cys1107insTer.
Molecular consequence: nonsense.
Genome position (GRCh38, 1-based): chr15:44,608,573-44,608,576, CAAA deleted on the plus strand (TTTG on the coding strand, the reverse complement: SPG11 is on the minus strand); deleting any 4 consecutive bases within chr15:44,608,573-44,608,578 gives the same sequence; the c. name uses the placement nearest the transcript's 3' end. VCF-style (leftmost placement, unchanged base first): chr15-44608572-TCAAA-T. GRCh37 (hg19) VCF-style: chr15-44900770-TCAAA-T.
Other names: c.3321_3324del, p.Asn1106_Cys1107insTer (NM_001160227.2); c.3321_3324delTTTG (NM_025137.3).
Identifiers: ClinVar variation 423142 (VCV000423142.13), dbSNP rs768131119, ClinGen allele CA7534997.

ClinVar aggregate classification (germline): Pathogenic/Likely pathogenic. Review status: criteria provided, multiple submitters, no conflicts (2 of 4 stars). 5 submissions from 5 submitters: Pathogenic (3); Likely pathogenic (2). Last evaluated 2025-06-01.

Conditions:
Amyotrophic lateral sclerosis type 5 (ALS5). Also called: AMYOTROPHIC LATERAL SCLEROSIS 5, JUVENILE. Identifiers: Orphanet 300605, MedGen C1865864, MONDO:0011196, OMIM 602099.
Charcot-Marie-Tooth disease axonal type 2X. Also called: CHARCOT-MARIE-TOOTH DISEASE, AXONAL, AUTOSOMAL RECESSIVE, TYPE 2X; CHARCOT-MARIE-TOOTH NEUROPATHY, TYPE 2X. Identifiers: Orphanet 466775, MedGen C5569024, MONDO:0014726, OMIM 616668.
Hereditary spastic paraplegia 11. Also called: Spastic Paraplegia 11; SPASTIC PARAPLEGIA, AUTOSOMAL RECESSIVE, COMPLICATED, WITH THIN CORPUS CALLOSUM; SPASTIC PARAPLEGIA, AUTOSOMAL RECESSIVE, WITH MENTAL IMPAIRMENT AND THIN CORPUS CALLOSUM; Spastic paraplegia, mental retardation and thin corpus callosum; Nakamura Osame syndrome; Autosomal recessive hereditary spastic paraplegia, mental impairment, and thin corpus callosum. Identifiers: Orphanet 2822, MedGen C1858479, MONDO:0011445, OMIM 604360.

Submissions (5):

GeneDx
Classification: Pathogenic. Last evaluated: 2025-06-01. Review status: criteria provided, single submitter. Criteria: GeneDx Variant Classification Process June 2021. Collection method: clinical testing. Allele origin: germline. Affected: yes.
Comment: Nonsense variant predicted to result in protein truncation or nonsense mediated decay in a gene for which loss of function is a known mechanism of disease; Not observed at significant frequency in large population cohorts (gnomAD); This variant is associated with the following publications: (PMID: 38886050, 33879512)

Labcorp Genetics (formerly Invitae), Labcorp
Classification: Pathogenic for Hereditary spastic paraplegia 11. Last evaluated: 2024-10-27. Review status: criteria provided, single submitter. Criteria: Invitae Variant Classification Sherloc (09022015). Collection method: clinical testing. Allele origin: germline.
Comment: This sequence change creates a premature translational stop signal (p.Cys1107*) in the SPG11 gene. It is expected to result in an absent or disrupted protein product. Loss-of-function variants in SPG11 are known to be pathogenic (PMID: 19105190, 20110243, 22154821, 26556829). This variant is present in population databases (rs768131119, gnomAD 0.01%). This variant has not been reported in the literature in individuals affected with SPG11-related conditions. ClinVar contains an entry for this variant (Variation ID: 423142). For these reasons, this variant has been classified as Pathogenic.

Fulgent Genetics
Classification: Likely pathogenic for Amyotrophic lateral sclerosis type 5; Hereditary spastic paraplegia 11; Charcot-Marie-Tooth disease axonal type 2X. Last evaluated: 2024-04-18. Review status: criteria provided, single submitter. Criteria: ACMG Guidelines, 2015. Collection method: clinical testing. Allele origin: germline.

Genome-Nilou Lab
Classification: Pathogenic for Hereditary spastic paraplegia 11. Review status: criteria provided, single submitter. Criteria: ACMG Guidelines, 2015. Collection method: clinical testing. Allele origin: germline.

Neuberg Centre For Genomic Medicine, NCGM
Classification: Likely pathogenic for Hereditary spastic paraplegia 11. Review status: criteria provided, single submitter. Criteria: ACMG Guidelines, 2015. Collection method: clinical testing. Allele origin: germline. Inheritance: Autosomal recessive inheritance. Affected: yes.
Comment: The observed frame shift variant c.3321_3324del (p.Cys1107Ter) in SPG11 gene has submitted to ClinVar as pathogenic. The p.Cys1107Ter variant has allele frequency 0.002% in gnomAD Exomes. This variant is predicted to cause loss of normal protein function through protein truncation. Loss-of-function variants in SPG11 are known to be pathogenic (Daoud H et al. 2012). Functional studies are required to prove the pathogenicity for the variant, for these reasons, this variant has been classified as Likely Pathogenic.

Literature cited by the submitters: PubMed 19105190 (cited by Labcorp Genetics (formerly Invitae), Labcorp); PubMed 20110243 (cited by Labcorp Genetics (formerly Invitae), Labcorp); PubMed 22154821 (cited by Labcorp Genetics (formerly Invitae), Labcorp); PubMed 26556829 (cited by Labcorp Genetics (formerly Invitae), Labcorp).